The following is an entry in ClinVar:

NM_205768.3(ZBTB18):c.1357G>A (p.Gly453Ser)

Gene: ZBTB18 (zinc finger and BTB domain containing 18; plus strand). Cytogenetic location: 1q44.
Variant type: single nucleotide variant.
Coding change: c.1357G>A on transcript NM_205768.3 (MANE Select); coding-DNA position 1357, G replaced by A.
Protein change: p.Gly453Ser; replaces glycine 453 with serine.
Molecular consequence: missense variant. On other transcripts: 3 prime UTR variant (1).
Genome position (GRCh38, 1-based): chr1:244,055,131, G>A. VCF-style: chr1-244055131-G-A. GRCh37 (hg19) VCF-style: chr1-244218433-G-A.
Other names: c.1330G>A, p.Gly444Ser (NM_001278196.2, NM_006352.5); c.*534G>A (NM_001421566.1); short protein forms G444S, G453S.
Identifiers: ClinVar variation 3361748 (VCV003361748.2).

ClinVar aggregate classification (germline): Uncertain significance. Review status: criteria provided, multiple submitters, no conflicts (2 of 4 stars). 2 submissions from 2 submitters: Uncertain significance (2). Last evaluated 2025-02-26.

Conditions:
Intellectual developmental disorder, autosomal dominant 22. Also called: Intellectual disability, autosomal dominant 22. Identifiers: MedGen CN029689, MONDO:0012869, OMIM 612337.

gnomAD v4.1: 1 of 1,614,114 alleles (0.000062%); highest among the groups gnomAD compares: Non-Finnish European, 0.000085%; no homozygotes.

Submissions (2):

3billion
Classification: Uncertain significance for Intellectual developmental disorder, autosomal dominant 22. Last evaluated: 2025-02-26. Review status: criteria provided, single submitter. Criteria: ACMG Guidelines, 2015. Collection method: clinical testing. Allele origin: germline. Affected: yes.
Comment: The variant is observed at an extremely low frequency in the gnomAD v4.1.0 dataset (total allele frequency: <0.001%). Predicted Consequence/Location: The variant is located in a mutational hot spot and/or well-established functional domain in which established pathogenic variants have been reported. In silico tool predictions suggest damaging effect of the variant on gene or gene product [3Cnet: 0.99 (>=0.75, sensitivity 0.96 and precision 0.92)]. Therefore, this variant is classified as VUS according to the recommendation of ACMG/AMP guideline.

GeneDx
Classification: Uncertain significance. Last evaluated: 2023-07-31. Review status: criteria provided, single submitter. Criteria: GeneDx Variant Classification Process June 2021. Collection method: clinical testing. Allele origin: germline. Affected: yes.
Comment: Has not been previously published as pathogenic or benign to our knowledge; Not observed at significant frequency in large population cohorts (gnomAD); In silico analysis supports that this missense variant has a deleterious effect on protein structure/function